The following is an entry in ClinVar:

ClinVar aggregate classification (germline): Uncertain significance (1 of 4 stars; one submission).

Conditions:
Bloom syndrome (BLM). Also called: Bloom-Torre-Machacek syndrome. Identifiers: Orphanet 125, MedGen C0005859, MONDO:0008876, OMIM 210900.

Submission:

Labcorp Genetics (formerly Invitae), Labcorp
Classification: Uncertain significance for Bloom syndrome. Last evaluated: 2022-04-23. Review status: criteria provided, single submitter. Criteria: Invitae Variant Classification Sherloc (09022015). Collection method: clinical testing. Allele origin: germline.
Comment: This sequence change replaces alanine, which is neutral and non-polar, with threonine, which is neutral and polar, at codon 1250 of the BLM protein (p.Ala1250Thr). This variant is not present in population databases (gnomAD no frequency). In summary, the available evidence is currently insufficient to determine the role of this variant in disease. Therefore, it has been classified as a Variant of Uncertain Significance. Algorithms developed to predict the effect of missense changes on protein structure and function are either unavailable or do not agree on the potential impact of this missense change (SIFT: "Deleterious"; PolyPhen-2: "Probably Damaging"; Align-GVGD: "Class C0"). This variant has not been reported in the literature in individuals affected with BLM-related conditions.

NM_000057.4(BLM):c.3748G>A (p.Ala1250Thr)

Gene: BLM (BLM RecQ like helicase; plus strand). Cytogenetic location: 15q26.1.
Variant type: single nucleotide variant.
Coding change: c.3748G>A on transcript NM_000057.4 (MANE Select); coding-DNA position 3748, G replaced by A.
Protein change: p.Ala1250Thr; replaces alanine 1250 with threonine.
Molecular consequence: missense variant. On other transcripts: intron variant (1).
Genome position (GRCh38, 1-based): chr15:90,804,356, G>A. VCF-style: chr15-90804356-G-A. GRCh37 (hg19) VCF-style: chr15-91347586-G-A.
Other names: c.3748G>A, p.Ala1250Thr (NM_001287246.2); c.2623G>A, p.Ala875Thr (NM_001287248.2); c.3359-4781G>A (NM_001287247.2); short protein forms A875T, A1250T.
Identifiers: ClinVar variation 1974589 (VCV001974589.4), dbSNP rs2505550545, ClinGen allele CA393848307.
Genomic context (GRCh38, chr15:90,804,356, plus strand): 5'-GGGAAAGTTTTTGGTGTCCATTACTTCAATATTTTTAATACCGTCACTCTCAAGAAGCTT[G>A]CAGGTGGGTACACATGTATCCTTTGTTACGTGGCACAGATTAATAGGCCGAAAGTTAATC-3'
Protein context (NP_000048.1, residues 1240-1260): IFNTVTLKKL[Ala1250Thr]ESLSSDPEVL